The following is an entry in ClinVar:

ClinVar aggregate classification (germline): Uncertain significance. Review status: criteria provided, multiple submitters, no conflicts (2 of 4 stars). 3 submissions from 3 submitters: Uncertain significance (3). Last evaluated 2025-09-12.

Conditions:
Renal cell carcinoma. Identifiers: Orphanet 217071, MedGen C0007134, MeSH D002292, MONDO:0005086, HP:0005584.
Hereditary cancer-predisposing syndrome. Also called: Tumor predisposition; Hereditary Cancer Syndrome; Hereditary neoplastic syndrome; Neoplastic Syndromes, Hereditary. Identifiers: Orphanet 140162, MedGen C0027672, MeSH D009386, MONDO:0015356.

Submissions (3):

Labcorp Genetics (formerly Invitae), Labcorp
Classification: Uncertain significance for Renal cell carcinoma. Last evaluated: 2025-09-12. Review status: criteria provided, single submitter. Criteria: Invitae Variant Classification Sherloc (09022015). Collection method: clinical testing. Allele origin: germline.
Comment: This sequence change replaces leucine, which is neutral and non-polar, with histidine, which is basic and polar, at codon 967 of the MET protein (p.Leu967His). This variant is not present in population databases (gnomAD no frequency). This variant has not been reported in the literature in individuals affected with MET-related conditions. ClinVar contains an entry for this variant (Variation ID: 2587478). Invitae Evidence Modeling of protein sequence and biophysical properties (such as structural, functional, and spatial information, amino acid conservation, physicochemical variation, residue mobility, and thermodynamic stability) indicates that this missense variant is expected to disrupt MET protein function with a positive predictive value of 80%. In summary, the available evidence is currently insufficient to determine the role of this variant in disease. Therefore, it has been classified as a Variant of Uncertain Significance.

Quest Diagnostics Nichols Institute San Juan Capistrano
Classification: Uncertain significance. Last evaluated: 2024-08-23. Review status: criteria provided, single submitter. Criteria: Quest Diagnostics criteria. Collection method: clinical testing. Allele origin: unknown.
Comment: The MET c.2900T>A (p.Leu967His) variant has not been reported in individuals with MET-related conditions in the published literature. It also has not been reported in large, multi-ethnic general populations (Genome Aggregation Database). Analysis of this variant using bioinformatics tools for the prediction of the effect of amino acid changes on protein structure and function yielded conflicting predictions that this variant is benign or damaging. Based on the available information, we are unable to determine the clinical significance of this variant.

Ambry Genetics
Classification: Uncertain significance for Hereditary cancer-predisposing syndrome. Last evaluated: 2023-08-02. Review status: criteria provided, single submitter. Criteria: Ambry Variant Classification Scheme 2023. Collection method: clinical testing. Allele origin: germline.
Comment: The p.L967H variant (also known as c.2900T>A), located in coding exon 12 of the MET gene, results from a T to A substitution at nucleotide position 2900. The leucine at codon 967 is replaced by histidine, an amino acid with similar properties. This amino acid position is not well conserved in available vertebrate species. In addition, the in silico prediction for this alteration is inconclusive. Since supporting evidence is limited at this time, the clinical significance of this alteration remains unclear.

NM_000245.4(MET):c.2846T>A (p.Leu949His)

Gene: MET (MET proto-oncogene, receptor tyrosine kinase; plus strand). Cytogenetic location: 7q31.2.
Variant type: single nucleotide variant.
Coding change: c.2846T>A on transcript NM_000245.4 (MANE Select); coding-DNA position 2846, T replaced by A.
Protein change: p.Leu949His; replaces leucine 949 with histidine.
Molecular consequence: missense variant.
Genome position (GRCh38, 1-based): chr7:116,771,613, T>A. VCF-style: chr7-116771613-T-A. GRCh37 (hg19) VCF-style: chr7-116411667-T-A.
Other names: c.2900T>A, p.Leu967His (NM_001127500.3); c.1556T>A, p.Leu519His (NM_001324402.2); c.2900T>A (NM_001127500.2); short protein forms L949H, L967H, L519H.
Identifiers: ClinVar variation 2587478 (VCV002587478.4), dbSNP rs2116992824, ClinGen allele CA368986665.